The following is an entry in ClinVar:

ClinVar aggregate classification (germline): Benign (1 of 4 stars; one submission).

Allele frequency attached by ClinVar (database versions not stated): 1000 Genomes Project 30x 0.06121; 1000 Genomes Project 0.06150; TOPMed 0.09916; gnomAD 0.11349 and 0.11488.
gnomAD v4.1: 17,264 of 152,030 alleles (11%); highest among the groups gnomAD compares: Non-Finnish European, 17%; 1,385 homozygotes.

Submission:

GeneDx
Classification: Benign. Last evaluated: 2018-06-14. Review status: criteria provided, single submitter. Criteria: GeneDx Variant Classification (06012015). Collection method: clinical testing. Allele origin: germline. Affected: yes.
Comment: This variant is considered likely benign or benign based on one or more of the following criteria: it is a conservative change, it occurs at a poorly conserved position in the protein, it is predicted to be benign by multiple in silico algorithms, and/or has population frequency not consistent with disease.

NM_006846.4(SPINK5):c.1011-223C>G

Gene: SPINK5 (serine peptidase inhibitor Kazal type 5; plus strand). Cytogenetic location: 5q32.
Variant type: single nucleotide variant.
Coding change: c.1011-223C>G on transcript NM_006846.4 (MANE Select); 223 bases into the intron before coding-DNA position 1011, C replaced by G.
Molecular consequence: intron variant.
Genome position (GRCh38, 1-based): chr5:148,099,011, C>G. VCF-style: chr5-148099011-C-G. GRCh37 (hg19) VCF-style: chr5-147478574-C-G.
Other names: c.1011-223C>G (NM_001127698.2, NM_001127699.2).
Identifiers: ClinVar variation 677116 (VCV000677116.1), dbSNP rs35332271, ClinGen allele CA11947087.